The following is an entry in ClinVar:

ClinVar aggregate classification (germline): Likely pathogenic (1 of 4 stars; one submission).

Submission:

Dasa
Classification: Likely pathogenic. Last evaluated: 2025-12-10. Review status: criteria provided, single submitter. Criteria: DASA Assertion Criteria. Collection method: clinical testing. Allele origin: germline.
Comment: NM_181741.4(ORC4):c.205C>T (p.Arg69*) is a nonsense variant in ORC4 predicted to introduce a premature termination codon and is predicted to result in an absent or altered protein product. Loss of function is an established disease mechanism for ORC4-associated disorders. Also, this variant is rare in population databases. Based on the currently available evidence, this variant is classified as likely pathogenic.

NM_181741.4(ORC4):c.205C>T (p.Arg69Ter)

Gene: ORC4 (origin recognition complex subunit 4; minus strand). Cytogenetic location: 2q23.1.
Variant type: single nucleotide variant.
Coding change: c.205C>T on transcript NM_181741.4 (MANE Select); coding-DNA position 205, C replaced by T.
Protein change: p.Arg69Ter; replaces arginine 69 with a stop codon.
Molecular consequence: nonsense. On other transcripts: 5 prime UTR variant (2), intron variant (1).
Genome position (GRCh38, 1-based): chr2:147,972,759, G>A on the plus strand (C>T on the coding strand, the complement: ORC4 is on the minus strand). VCF-style: chr2-147972759-G-A. GRCh37 (hg19) VCF-style: chr2-148730328-G-A.
Other names: c.205C>T, p.Arg69Ter (NM_001190879.3, NM_001374270.1, NM_002552.5 and 1 more transcripts); c.-18C>T (NM_001190882.3); c.-113C>T (NM_001374272.1); c.-27-13893C>T (NM_001190881.3); short protein forms R69*.
Identifiers: ClinVar variation 4882053 (VCV004882053.2).